The following is an entry in ClinVar:

ClinVar aggregate classification (germline): Likely benign (1 of 4 stars; one submission).

Allele frequency attached by ClinVar (database versions not stated): gnomAD exomes 0.00001.

Submission:

GeneDx
Classification: Likely benign. Last evaluated: 2018-04-02. Review status: criteria provided, single submitter. Criteria: GeneDx Variant Classification (06012015). Collection method: clinical testing. Allele origin: germline. Affected: yes.
Comment: This variant is considered likely benign or benign based on one or more of the following criteria: it is a conservative change, it occurs at a poorly conserved position in the protein, it is predicted to be benign by multiple in silico algorithms, and/or has population frequency not consistent with disease.

NM_152415.3(VPS37A):c.416+19A>G

Gene: VPS37A (VPS37A subunit of ESCRT-I; plus strand). Cytogenetic location: 8p22.
Variant type: single nucleotide variant.
Coding change: c.416+19A>G on transcript NM_152415.3 (MANE Select); 19 bases into the intron after coding-DNA position 416, A replaced by G.
Molecular consequence: intron variant.
Genome position (GRCh38, 1-based): chr8:17,268,975, A>G. VCF-style: chr8-17268975-A-G. GRCh37 (hg19) VCF-style: chr8-17126484-A-G.
Other names: c.146+19A>G (NM_001363172.2, NM_001363168.1, NM_001363170.1 and 2 more transcripts); c.416+19A>G (NM_001363173.2, NM_001363167.1); c.341+19A>G (NM_001145152.2).
Identifiers: ClinVar variation 681364 (VCV000681364.1), dbSNP rs1585986413, ClinGen allele CA915945619.